The following is an entry in ClinVar:

NM_170606.3(KMT2C):c.1122G>A (p.Ala374=)

Genes: KMT2C (lysine methyltransferase 2C; minus strand), LOC123956272 (Sharpr-MPRA regulatory region 15588; plus strand). Cytogenetic location: 7q36.1.
Variant type: single nucleotide variant.
Coding change: c.1122G>A on transcript NM_170606.3 (MANE Select); coding-DNA position 1122, G replaced by A.
Protein change: p.Ala374=; no amino-acid change (alanine 374 retained).
Molecular consequence: synonymous variant.
Genome position (GRCh38, 1-based): chr7:152,265,100, C>T on the plus strand (G>A on the coding strand, the complement: KMT2C is on the minus strand). VCF-style: chr7-152265100-C-T. GRCh37 (hg19) VCF-style: chr7-151962185-C-T.
Identifiers: ClinVar variation 1167300 (VCV001167300.33), dbSNP rs199965929, ClinGen allele CA4581586.

ClinVar aggregate classification (germline): Benign/Likely benign. Review status: criteria provided, multiple submitters, no conflicts (2 of 4 stars). 3 submissions from 3 submitters: Benign (1); Likely benign (2). Last evaluated 2026-03-01.

Allele frequency attached by ClinVar (database versions not stated): ExAC 0.00009; gnomAD 0.00037 and 0.00050; 1000 Genomes Project 30x 0.00265.

Submissions (3):

CeGaT Center for Human Genetics Tuebingen
Classification: Likely benign. Last evaluated: 2026-03-01. Review status: criteria provided, single submitter. Criteria: CeGaT Center For Human Genetics Tuebingen Variant Classification Criteria Version 2. Collection method: clinical testing. Allele origin: germline. Affected: yes. Observed: 6 variant alleles.
Comment: KMT2C: BP4, BP7

Blueprint Genetics
Classification: Likely benign. Last evaluated: 2024-11-14. Review status: criteria provided, single submitter. Criteria: ACMG Guidelines, 2015. Collection method: clinical testing. Allele origin: germline.

Labcorp Genetics (formerly Invitae), Labcorp
Classification: Benign. Last evaluated: 2021-02-14. Review status: criteria provided, single submitter. Criteria: Invitae Variant Classification Sherloc (09022015). Collection method: clinical testing. Allele origin: germline.